The following is an entry in ClinVar:

NM_020134.4(DPYSL5):c.637C>T (p.Pro213Ser)

Gene: DPYSL5 (dihydropyrimidinase like 5; plus strand). Cytogenetic location: 2p23.3.
Variant type: single nucleotide variant.
Coding change: c.637C>T on transcript NM_020134.4 (MANE Select); coding-DNA position 637, C replaced by T.
Protein change: p.Pro213Ser; replaces proline 213 with serine.
Molecular consequence: missense variant.
Genome position (GRCh38, 1-based): chr2:26,928,291, C>T. VCF-style: chr2-26928291-C-T. GRCh37 (hg19) VCF-style: chr2-27151159-C-T.
Other names: c.637C>T, p.Pro213Ser (NM_001253723.2, NM_001253724.2); short protein forms P213S.
Identifiers: ClinVar variation 4083326 (VCV004083326.1).
Genomic context (GRCh38, chr2:26,928,291, plus strand): 5'-TTTCTTTCTCTTGCTGTTATCCAGGGTGCTAAGGAGGCACTGGATTTGGGGATCACAGGC[C>T]CAGAAGGAATCGAGATCAGCCGTCCAGAGGAGGTGAGAAACACTTCCTGTAGCCTTTGTC-3'
Protein context (NP_064519.2, residues 203-223): KEALDLGITG[Pro213Ser]EGIEISRPEE

ClinVar aggregate classification (germline): Uncertain significance (1 of 4 stars; one submission).

Submission:

GeneDx
Classification: Uncertain significance. Last evaluated: 2025-03-13. Review status: criteria provided, single submitter. Criteria: GeneDx Variant Classification Process June 2021. Collection method: clinical testing. Allele origin: germline. Affected: yes.
Comment: Not observed at significant frequency in large population cohorts (gnomAD); In silico analysis supports that this missense variant has a deleterious effect on protein structure/function; Has not been previously published as pathogenic or benign to our knowledge